The following is an entry in ClinVar:

ClinVar aggregate classification (germline): Likely pathogenic (1 of 4 stars; one submission).

Conditions:
Atypical hemolytic-uremic syndrome. Identifiers: Orphanet 2134, MedGen C2931788, MONDO:0016244.

Submission:

Genomenon, Inc
Classification: Likely pathogenic for Atypical hemolytic-uremic syndrome. Last evaluated: 2026-09-17. Review status: criteria provided, single submitter. Criteria: Genomenon Sequence Variant Interpretation Standards - Updated. Collection method: curation. Allele origin: germline. Affected: yes.
Comment: CD46 p.Pro281Ser (c.841C>T) is a missense variant that changes the amino acid at codon 281 from proline to serine. This variant has been observed in at least one proband affected with atypical hemolytic-uremic syndrome (PMID:28056875). This variant is located in a mutational hotspot and/or important functional domain. It is absent or not present at a significant frequency in gnomAD. In conclusion, we classify CD46 p.Pro281Ser (c.841C>T) as a likely pathogenic variant.

Literature cited by the submitters: PubMed 28056875.

NM_172351.3(CD46):c.841C>T (p.Pro281Ser)

Gene: CD46 (CD46 molecule; plus strand). Cytogenetic location: 1q32.2.
Variant type: single nucleotide variant.
Coding change: c.841C>T on transcript NM_172351.3 (MANE Select); coding-DNA position 841, C replaced by T.
Protein change: p.Pro281Ser; replaces proline 281 with serine.
Molecular consequence: missense variant.
Genome position (GRCh38, 1-based): chr1:207,767,180, C>T. VCF-style: chr1-207767180-C-T. GRCh37 (hg19) VCF-style: chr1-207940525-C-T.
Other names: c.841C>T, p.Pro281Ser (NM_002389.4, NM_153826.4, NM_172350.3 and 8 more transcripts); short protein forms P281S.
Identifiers: ClinVar variation 4291190 (VCV004291190.2).